The following is an entry in ClinVar:

NM_133433.4(NIPBL):c.4284T>C (p.Ser1428=)

Gene: NIPBL (NIPBL cohesin loading factor; plus strand). Cytogenetic location: 5p13.2.
Variant type: single nucleotide variant.
Coding change: c.4284T>C on transcript NM_133433.4 (MANE Select); coding-DNA position 4284, T replaced by C.
Protein change: p.Ser1428=; no amino-acid change (serine 1428 retained).
Molecular consequence: synonymous variant.
Genome position (GRCh38, 1-based): chr5:37,008,052, T>C. VCF-style: chr5-37008052-T-C. GRCh37 (hg19) VCF-style: chr5-37008154-T-C.
Other names: c.4284T>C, p.Ser1428= (NM_015384.5).
Identifiers: ClinVar variation 1201632 (VCV001201632.3), dbSNP rs2149678866, ClinGen allele CA443905067.

ClinVar aggregate classification (germline): Uncertain significance (1 of 4 stars; one submission).

Submission:

GeneDx
Classification: Uncertain significance. Last evaluated: 2019-11-27. Review status: criteria provided, single submitter. Criteria: GeneDx Variant Classification Process June 2021. Collection method: clinical testing. Allele origin: germline. Affected: yes.
Comment: Not observed in large population cohorts (Lek et al., 2016); In silico analysis, which includes splice predictors and evolutionary conservation, supports that this variant does not alter protein structure/function; Has not been previously published as pathogenic or benign to our knowledge